The following is an entry in ClinVar:

ClinVar aggregate classification (germline): Likely benign (0 of 4 stars; one submission).

Conditions:
HTR2C-related disorder. Also called: HTR2C-related condition.

gnomAD v4.1: 6 of 1,210,562 alleles (0.0005%); highest among the groups gnomAD compares: East Asian, 0.003%; no homozygotes.

Submission:

PreventionGenetics, part of Exact Sciences
Classification: Likely benign for HTR2C-related condition. Last evaluated: 2022-12-07. Review status: no assertion criteria provided. Collection method: clinical testing. Allele origin: germline.
Comment: This variant is classified as likely benign based on ACMG/AMP sequence variant interpretation guidelines (Richards et al. 2015 PMID: 25741868, with internal and published modifications).

NM_000868.4(HTR2C):c.501G>A (p.Ser167=)

Gene: HTR2C (5-hydroxytryptamine receptor 2C; plus strand). Cytogenetic location: Xq23.
Variant type: single nucleotide variant.
Coding change: c.501G>A on transcript NM_000868.4 (MANE Select); coding-DNA position 501, G replaced by A.
Protein change: p.Ser167=; no amino-acid change (serine 167 retained).
Molecular consequence: synonymous variant. On other transcripts: intron variant (1).
Genome position (GRCh38, 1-based): chrX:114,848,154, G>A. VCF-style: chrX-114848154-G-A. GRCh37 (hg19) VCF-style: chrX-114082717-G-A.
Other names: c.501G>A, p.Ser167= (NM_001256760.3); c.455+46G>A (NM_001256761.3).
Identifiers: ClinVar variation 3352450 (VCV003352450.1).
Genomic context (GRCh38, chrX:114,848,154, plus strand): 5'-TATATCGCTGGATCGGTATGTAGCAATACGTAATCCTATTGAGCATAGCCGTTTCAATTC[G>A]CGGACTAAGGCCATCATGAAGATTGCTATTGTTTGGGCAATTTCTATAGGTAAATAAAAC-3'
Protein context (NP_000859.2, residues 157-177): RNPIEHSRFN[Ser167=]RTKAIMKIAI